The following is an entry in ClinVar:

NM_001370259.2(MEN1):c.1089G>T (p.Glu363Asp)

Gene: MEN1 (menin 1; minus strand). Cytogenetic location: 11q13.1.
Variant type: single nucleotide variant.
Coding change: c.1089G>T on transcript NM_001370259.2 (MANE Select); coding-DNA position 1089, G replaced by T.
Protein change: p.Glu363Asp; replaces glutamic acid 363 with aspartic acid.
Molecular consequence: missense variant. On other transcripts: non-coding transcript variant (4).
Genome position (GRCh38, 1-based): chr11:64,805,731, C>A on the plus strand (G>T on the coding strand, the complement: MEN1 is on the minus strand). VCF-style: chr11-64805731-C-A. GRCh37 (hg19) VCF-style: chr11-64573203-C-A.
Other names: c.984G>T, p.Glu328Asp (NM_001407149.1, NM_001407148.1, NM_001370262.2 and 1 more transcripts); c.1230G>T, p.Glu410Asp (NM_001407150.1); c.1110G>T, p.Glu370Asp (NM_001407151.1); c.1089G>T, p.Glu363Asp (NM_001407152.1, NM_001407146.1, NM_001407147.1 and 3 more transcripts); c.1215G>T, p.Glu405Asp (NM_001407144.1, NM_001370251.2, NM_001407142.1 and 1 more transcripts); c.1104G>T, p.Glu368Asp (NM_001407145.1, NM_000244.4, NM_130800.3 and 4 more transcripts); short protein forms E405D, E368D, E328D, E363D, E370D, E410D.
Identifiers: ClinVar variation 4764484 (VCV004764484.1).
Genomic context (GRCh38, chr11:64,805,731, plus strand): 5'-CAGCAAGCTGGCTGCCTCCTTCAGCAGGTTGGGGATGACATCATTGGCTACTTCAAAGAA[C>A]TCCTTGTAGATCTCCTCGTCTTCCCGGCAGTAGTTGTAGCTGTGAGAGCAGTGGGGTCTC-3'
Protein context (NP_001357188.2, residues 353-373): YCREDEEIYK[Glu363Asp]FFEVANDVIP

ClinVar aggregate classification (germline): Uncertain significance (1 of 4 stars; one submission).

Conditions:
Multiple endocrine neoplasia, type 1 (MEN1). Also called: Endocrine adenomatosis multiple; MEN 1; MEA I; MEN I; WERMER SYNDROME. Identifiers: Orphanet 652, MedGen C0025267, MeSH D018761, MONDO:0007540, OMIM 131100.

Submission:

Labcorp Genetics (formerly Invitae), Labcorp
Classification: Uncertain significance for Multiple endocrine neoplasia, type 1. Last evaluated: 2025-08-11. Review status: criteria provided, single submitter. Criteria: Invitae Variant Classification Sherloc (09022015). Collection method: clinical testing. Allele origin: germline.
Comment: This sequence change replaces glutamic acid, which is acidic and polar, with aspartic acid, which is acidic and polar, at codon 363 of the MEN1 protein (p.Glu363Asp). This variant is not present in population databases (gnomAD no frequency). This variant has not been reported in the literature in individuals affected with MEN1-related conditions. Invitae Evidence Modeling of protein sequence and biophysical properties (such as structural, functional, and spatial information, amino acid conservation, physicochemical variation, residue mobility, and thermodynamic stability) indicates that this missense variant is expected to disrupt MEN1 protein function with a positive predictive value of 95%. In summary, the available evidence is currently insufficient to determine the role of this variant in disease. Therefore, it has been classified as a Variant of Uncertain Significance.